The following is an entry in ClinVar:

NM_018942.3(HMX1):c.964G>C (p.Gly322Arg)

Gene: HMX1 (H6 family homeobox 1; minus strand). Cytogenetic location: 4p16.1.
Variant type: single nucleotide variant.
Coding change: c.964G>C on transcript NM_018942.3 (MANE Select); coding-DNA position 964, G replaced by C.
Protein change: p.Gly322Arg; replaces glycine 322 with arginine.
Molecular consequence: missense variant. On other transcripts: intron variant (1).
Genome position (GRCh38, 1-based): chr4:8,867,776, C>G on the plus strand (G>C on the coding strand, the complement: HMX1 is on the minus strand). VCF-style: chr4-8867776-C-G. GRCh37 (hg19) VCF-style: chr4-8869502-C-G.
Other names: c.394+3445G>C (NM_001306142.2); short protein forms G322R.
Identifiers: ClinVar variation 1090716 (VCV001090716.13), dbSNP rs763505877, ClinGen allele CA2854240.

ClinVar aggregate classification (germline): Conflicting classifications of pathogenicity. Review status: criteria provided, conflicting classifications (1 of 4 stars). 3 submissions from 3 submitters: Uncertain significance (2); Likely benign (1). Last evaluated 2025-12-01.

Conditions:
Inborn genetic diseases. Identifiers: MedGen C0950123, MeSH D030342.

Allele frequency attached by ClinVar (database versions not stated): gnomAD 0.00034 and 0.00035; 1000 Genomes Project 30x 0.00047; ExAC 0.00407.
gnomAD v4.1: 270 of 1,269,608 alleles (0.021%); highest among the groups gnomAD compares: Admixed American, 0.099%; no homozygotes.

Submissions (3):

Labcorp Genetics (formerly Invitae), Labcorp
Classification: Likely benign. Last evaluated: 2025-12-01. Review status: criteria provided, single submitter. Criteria: Invitae Variant Classification Sherloc (09022015). Collection method: clinical testing. Allele origin: germline.

Ambry Genetics
Classification: Uncertain significance for Inborn genetic diseases. Last evaluated: 2025-08-21. Review status: criteria provided, single submitter. Criteria: Ambry Variant Classification Scheme 2023. Collection method: clinical testing. Allele origin: germline.

GeneDx
Classification: Uncertain significance. Last evaluated: 2019-05-24. Review status: criteria provided, single submitter. Criteria: GeneDx Variant Classification Process June 2021. Collection method: clinical testing. Allele origin: germline. Affected: yes.
Comment: In silico analysis, which includes protein predictors and evolutionary conservation, supports that this variant does not alter protein structure/function; Has not been previously published as pathogenic or benign to our knowledge